The following is an entry in ClinVar:

ClinVar aggregate classification (germline): Uncertain significance. Review status: criteria provided, multiple submitters, no conflicts (2 of 4 stars). 2 submissions from 2 submitters: Uncertain significance (2). Last evaluated 2026-06-24.

Conditions:
Inborn genetic diseases. Identifiers: MedGen C0950123, MeSH D030342.

gnomAD v4.1: 2 of 1,609,720 alleles (0.00012%); highest among the groups gnomAD compares: East Asian, 0.0045%; no homozygotes.

Submissions (2):

Ambry Genetics
Classification: Uncertain significance for Inborn genetic diseases. Last evaluated: 2026-06-24. Review status: criteria provided, single submitter. Criteria: Ambry Variant Classification Scheme 2023. Collection method: clinical testing. Allele origin: germline.
Comment: The p.H312Y variant (also known as c.934C>T), located in coding exon 9 of the DDX41 gene, results from a C to T substitution at nucleotide position 934. The histidine at codon 312 is replaced by tyrosine, an amino acid with similar properties. This amino acid position is well conserved in available vertebrate species. In addition, this alteration is predicted to be tolerated by in silico analysis. Based on the available evidence, the clinical significance of this variant remains unclear.

Labcorp Genetics (formerly Invitae), Labcorp
Classification: Uncertain significance. Last evaluated: 2025-03-31. Review status: criteria provided, single submitter. Criteria: Invitae Variant Classification Sherloc (09022015). Collection method: clinical testing. Allele origin: germline.
Comment: This sequence change replaces histidine, which is basic and polar, with tyrosine, which is neutral and polar, at codon 312 of the DDX41 protein (p.His312Tyr). This variant is present in population databases (rs755552331, gnomAD 0.006%). This missense change has been observed in individual(s) with DDX41-related conditions (PMID: 37506341). An algorithm developed to predict the effect of missense changes on protein structure and function (PolyPhen-2) suggests that this variant is likely to be tolerated. In summary, the available evidence is currently insufficient to determine the role of this variant in disease. Therefore, it has been classified as a Variant of Uncertain Significance.

Literature cited by the submitters: PubMed 37506341 (cited by Labcorp Genetics (formerly Invitae), Labcorp).

NM_016222.4(DDX41):c.934C>T (p.His312Tyr)

Gene: DDX41 (DEAD-box helicase 41; minus strand). Cytogenetic location: 5q35.3.
Variant type: single nucleotide variant.
Coding change: c.934C>T on transcript NM_016222.4 (MANE Select); coding-DNA position 934, C replaced by T.
Protein change: p.His312Tyr; replaces histidine 312 with tyrosine.
Molecular consequence: missense variant.
Genome position (GRCh38, 1-based): chr5:177,514,702, G>A on the plus strand (C>T on the coding strand, the complement: DDX41 is on the minus strand). VCF-style: chr5-177514702-G-A. GRCh37 (hg19) VCF-style: chr5-176941703-G-A.
Other names: c.556C>T, p.His186Tyr (NM_001321732.2, NM_001321830.2); c.934C>T (NM_016222.2); short protein forms H312Y, H186Y.
Identifiers: ClinVar variation 4744664 (VCV004744664.2).